The following is an entry in ClinVar:

ClinVar aggregate classification (germline): Uncertain significance (1 of 4 stars; one submission).

Submission:

Labcorp Genetics (formerly Invitae), Labcorp
Classification: Uncertain significance. Last evaluated: 2024-10-22. Review status: criteria provided, single submitter. Criteria: Invitae Variant Classification Sherloc (09022015). Collection method: clinical testing. Allele origin: germline.
Comment: This variant, c.1350_1352del, results in the deletion of 1 amino acid(s) of the TUFM protein (p.Lys450del), but otherwise preserves the integrity of the reading frame. This variant is present in population databases (rs778401493, gnomAD 0.01%). This variant has not been reported in the literature in individuals affected with TUFM-related conditions. Experimental studies and prediction algorithms are not available or were not evaluated, and the functional significance of this variant is currently unknown. In summary, the available evidence is currently insufficient to determine the role of this variant in disease. Therefore, it has been classified as a Variant of Uncertain Significance.

NM_003321.5(TUFM):c.1347GAA[1] (p.Lys450del)

Gene: TUFM (Tu translation elongation factor, mitochondrial; minus strand). Cytogenetic location: 16p11.2.
Variant type: Microsatellite.
Coding change: c.1347GAA[1] on transcript NM_003321.5 (MANE Select); one copy of the 3-base unit GAA starting at c.1347; the reference has two copies in a row; one copy, 3 bases deleted.
Protein change: p.Lys450del; deletes lysine 450.
Molecular consequence: inframe deletion.
Genome position (GRCh38, 1-based): chr16:28,842,991-28,842,993, TTC deleted on the plus strand (GAA on the coding strand, the reverse complement: TUFM is on the minus strand); deleting any 3 consecutive bases within chr16:28,842,991-28,842,997 gives the same sequence; the position shown is the placement nearest the transcript's 3' end. VCF-style (leftmost placement, unchanged base first): chr16-28842990-ATTC-A. GRCh37 (hg19) VCF-style: chr16-28854311-ATTC-A.
Other names: c.1263GAA[1], p.Lys422del (NM_001365360.2); short protein forms K422del, K450del.
Identifiers: ClinVar variation 1494542 (VCV001494542.7), dbSNP rs778401493, ClinGen allele CA7985341.
Genomic context (GRCh38, chr16:28,842,990, plus strand): 5'-GGGCAGGCCTTAAACGCAAGGGAAGCTGAGCAGAGATCTGCACACTCAACCCCATTTGAT[ATTC>A]TTCTCCTCCTCAGTCATGGCCAGCGTGTTGGTGACTAGACCGGTGCCAATAGTCCGGTTG-3'